The following is an entry in ClinVar:

ClinVar aggregate classification (germline): Uncertain significance (1 of 4 stars; one submission).

Submission:

Women's Health and Genetics/Laboratory Corporation of America, LabCorp
Classification: Uncertain significance. Last evaluated: 2026-04-15. Review status: criteria provided, single submitter. Criteria: LabCorp Variant Classification Summary - May 2015. Collection method: clinical testing. Allele origin: germline.
Comment: Variant summary: GHSR c.797-12T>G alters a non-conserved nucleotide located at a position not widely known to affect splicing. Several computational tools predict a significant impact on normal splicing: Four predict the variant creates a cryptic 3' acceptor site. Three predict the variant weakens the canonical 3' acceptor site. Two predict the variant abolishes the canonical 3' acceptor site. However, these predictions have yet to be confirmed by functional studies. The variant was absent in 243490 control chromosomes. The available data on variant occurrences in the general population are insufficient to allow any conclusion about variant significance. To our knowledge, no occurrence of c.797-12T>G in individuals affected with GHSR-related conditions and no experimental evidence demonstrating its impact on protein function have been reported. No submitters have cited clinical-significance assessments for this variant to ClinVar. Based on the evidence outlined above, the variant was classified as uncertain significance.

NM_198407.2(GHSR):c.797-12T>G

Gene: GHSR (growth hormone secretagogue receptor; minus strand). Cytogenetic location: 3q26.31.
Variant type: single nucleotide variant.
Coding change: c.797-12T>G on transcript NM_198407.2 (MANE Select); 12 bases into the intron before coding-DNA position 797, T replaced by G.
Molecular consequence: intron variant.
Genome position (GRCh38, 1-based): chr3:172,445,477, A>C on the plus strand (T>G on the coding strand, the complement: GHSR is on the minus strand). VCF-style: chr3-172445477-A-C. GRCh37 (hg19) VCF-style: chr3-172163267-A-C.
Identifiers: ClinVar variation 4848528 (VCV004848528.1).
Genomic context (GRCh38, chr3:172,445,477, plus strand): 5'-CCTACGTGGAAGGGGAGCCAGCAGAGGATGAAGGCAAACACCACTACAGCTAAAAGGACA[A>C]TGGGAGAGAGATAGTCAGCTCAAGAAATGTCACAGCAAATCACATTCTATTTTTAAGACT-3'